The following is an entry in ClinVar:

ClinVar aggregate classification (germline): Uncertain significance. Review status: criteria provided, multiple submitters, no conflicts (2 of 4 stars). 2 submissions from 2 submitters: Uncertain significance (2). Last evaluated 2024-04-11.

Conditions:
Hereditary cancer-predisposing syndrome. Also called: Tumor predisposition; Hereditary Cancer Syndrome; Neoplastic Syndromes, Hereditary; Hereditary neoplastic syndrome. Identifiers: Orphanet 140162, MedGen C0027672, MeSH D009386, MONDO:0015356.
Bloom syndrome (BLM). Also called: Bloom-Torre-Machacek syndrome. Identifiers: Orphanet 125, MedGen C0005859, MONDO:0008876, OMIM 210900.

Submissions (2):

Labcorp Genetics (formerly Invitae), Labcorp
Classification: Uncertain significance for Bloom syndrome. Last evaluated: 2024-04-11. Review status: criteria provided, single submitter. Criteria: Invitae Variant Classification Sherloc (09022015). Collection method: clinical testing. Allele origin: germline.
Comment: This sequence change falls in intron 14 of the BLM gene. It does not directly change the encoded amino acid sequence of the BLM protein. It affects a nucleotide within the consensus splice site. This variant is not present in population databases (gnomAD no frequency). This variant has not been reported in the literature in individuals affected with BLM-related conditions. ClinVar contains an entry for this variant (Variation ID: 1796464). Variants that disrupt the consensus splice site are a relatively common cause of aberrant splicing (PMID: 17576681, 9536098). Algorithms developed to predict the effect of sequence changes on RNA splicing suggest that this variant is not likely to affect RNA splicing. In summary, the available evidence is currently insufficient to determine the role of this variant in disease. Therefore, it has been classified as a Variant of Uncertain Significance.

Ambry Genetics
Classification: Uncertain significance for Hereditary cancer-predisposing syndrome. Last evaluated: 2021-10-25. Review status: criteria provided, single submitter. Criteria: Ambry Variant Classification Scheme 2023. Collection method: clinical testing. Allele origin: germline.
Comment: The c.2823+5C>T intronic variant results from a C to T substitution 5 nucleotides after coding exon 13 in the BLM gene. This nucleotide position is not well conserved in available vertebrate species. In silico splice site analysis predicts that this alteration will not have any significant effect on splicing. Since supporting evidence is limited at this time, the clinical significance of this alteration remains unclear.

Literature cited by the submitters: PubMed 17576681 (cited by Labcorp Genetics (formerly Invitae), Labcorp); PubMed 9536098 (cited by Labcorp Genetics (formerly Invitae), Labcorp).

NM_000057.4(BLM):c.2823+5C>T

Gene: BLM (BLM RecQ like helicase; plus strand). Cytogenetic location: 15q26.1.
Variant type: single nucleotide variant.
Coding change: c.2823+5C>T on transcript NM_000057.4 (MANE Select); 5 bases into the intron after coding-DNA position 2823, C replaced by T.
Molecular consequence: intron variant.
Genome position (GRCh38, 1-based): chr15:90,785,086, C>T. VCF-style: chr15-90785086-C-T. GRCh37 (hg19) VCF-style: chr15-91328316-C-T.
Other names: c.2823+5C>T (NM_001287246.2, NM_001287247.2); c.1698+5C>T (NM_001287248.2).
Identifiers: ClinVar variation 1796464 (VCV001796464.4), dbSNP rs2505502346, ClinGen allele CA2580090256.